The following is an entry in ClinVar:

ClinVar aggregate classification (germline): Likely benign (1 of 4 stars; one submission).

Conditions:
Inherited polyposis and early onset colorectal cancer - germline testing.

gnomAD v4.1: 1,075 of 1,342,520 alleles (0.08%); highest among the groups gnomAD compares: Middle Eastern, 0.22%; 1 homozygote.

Submission:

Cambridge Genomics Laboratory, East Genomic Laboratory Hub, NHS Genomic Medicine Service
Classification: Likely benign for Inherited polyposis and early onset colorectal cancer - germline testing. Last evaluated: 2026-08-26. Review status: criteria provided, single submitter. Criteria: ACGS Best Practice Guidelines for Variant Classification in Rare Disease 2020. Collection method: clinical testing. Allele origin: germline. Affected: yes.
Comment: BP4,BP7

NM_000455.5(STK11):c.1109-256G>A

Gene: STK11 (serine/threonine kinase 11; plus strand). Cytogenetic location: 19p13.3.
Variant type: single nucleotide variant.
Coding change: c.1109-256G>A on transcript NM_000455.5 (MANE Select); 256 bases into the intron before coding-DNA position 1109, G replaced by A.
Molecular consequence: intron variant.
Genome position (GRCh38, 1-based): chr19:1,226,198, G>A. VCF-style: chr19-1226198-G-A. GRCh37 (hg19) VCF-style: chr19-1226197-G-A.
Identifiers: ClinVar variation 4890887 (VCV004890887.1).